The following is an entry in ClinVar:

ClinVar aggregate classification (germline): Uncertain significance. Review status: criteria provided, multiple submitters, no conflicts (2 of 4 stars). 3 submissions from 3 submitters: Uncertain significance (3). Last evaluated 2025-03-13.

Conditions:
Emery-Dreifuss muscular dystrophy 5, autosomal dominant (EDMD5). Also called: EMERY-DREIFUSS MUSCULAR DYSTROPHY 5. Identifiers: Orphanet 261, MedGen C2751805, MONDO:0013072, OMIM 612999.

gnomAD v4.1: 50 of 1,613,544 alleles (0.0031%); highest among the groups gnomAD compares: Non-Finnish European, 0.0042%; no homozygotes.

Submissions (3):

Athena Diagnostics
Classification: Uncertain significance. Last evaluated: 2025-03-13. Review status: criteria provided, single submitter. Criteria: Athena Diagnostics Criteria. Collection method: clinical testing. Allele origin: unknown.
Comment: Available data are insufficient to determine the clinical significance of the variant at this time. The frequency of this variant in the general population is uninformative in assessment of its pathogenicity. Polyphen and MutationTaster predict this amino acid change may be benign.

Ambry Genetics
Classification: Uncertain significance. Last evaluated: 2024-10-26. Review status: criteria provided, single submitter. Criteria: Ambry Variant Classification Scheme 2023. Collection method: clinical testing. Allele origin: germline.

Labcorp Genetics (formerly Invitae), Labcorp
Classification: Uncertain significance for Emery-Dreifuss muscular dystrophy 5, autosomal dominant. Last evaluated: 2022-03-01. Review status: criteria provided, single submitter. Criteria: Invitae Variant Classification Sherloc (09022015). Collection method: clinical testing. Allele origin: germline.
Comment: In summary, the available evidence is currently insufficient to determine the role of this variant in disease. Therefore, it has been classified as a Variant of Uncertain Significance. Algorithms developed to predict the effect of missense changes on protein structure and function are either unavailable or do not agree on the potential impact of this missense change (SIFT: "Deleterious"; PolyPhen-2: "Possibly Damaging"; Align-GVGD: "Class C0"). This variant has not been reported in the literature in individuals affected with SYNE2-related conditions. This variant is present in population databases (rs758104840, gnomAD 0.003%). This sequence change replaces alanine, which is neutral and non-polar, with proline, which is neutral and non-polar, at codon 4133 of the SYNE2 protein (p.Ala4133Pro).

NM_182914.3(SYNE2):c.12397G>C (p.Ala4133Pro)

Gene: SYNE2 (spectrin repeat containing nuclear envelope protein 2; plus strand). Cytogenetic location: 14q23.2.
Variant type: single nucleotide variant.
Coding change: c.12397G>C on transcript NM_182914.3 (MANE Select); coding-DNA position 12397, G replaced by C.
Protein change: p.Ala4133Pro; replaces alanine 4133 with proline.
Molecular consequence: missense variant.
Genome position (GRCh38, 1-based): chr14:64,101,947, G>C. VCF-style: chr14-64101947-G-C. GRCh37 (hg19) VCF-style: chr14-64568665-G-C.
Other names: c.12397G>C (NM_182914.2); c.12397G>C, p.Ala4133Pro (NM_015180.6); short protein forms A4133P.
Identifiers: ClinVar variation 1517195 (VCV001517195.8), dbSNP rs758104840, ClinGen allele CA7222143.